The following is an entry in ClinVar:

ClinVar aggregate classification (germline): Uncertain significance (1 of 4 stars; one submission).

Allele frequency attached by ClinVar (database versions not stated): gnomAD exomes below 0.00001.
gnomAD v4.1: 1 of 1,612,790 alleles (0.000062%); highest among the groups gnomAD compares: Non-Finnish European, 0.000085%; no homozygotes.

Submission:

Labcorp Genetics (formerly Invitae), Labcorp
Classification: Uncertain significance. Last evaluated: 2022-08-06. Review status: criteria provided, single submitter. Criteria: Invitae Variant Classification Sherloc (09022015). Collection method: clinical testing. Allele origin: germline.
Comment: In summary, the available evidence is currently insufficient to determine the role of this variant in disease. Therefore, it has been classified as a Variant of Uncertain Significance. Algorithms developed to predict the effect of missense changes on protein structure and function are either unavailable or do not agree on the potential impact of this missense change (SIFT: "Deleterious"; PolyPhen-2: "Probably Damaging"; Align-GVGD: "Class C0"). This variant has not been reported in the literature in individuals affected with SKIV2L-related conditions. This variant is not present in population databases (gnomAD no frequency). This sequence change replaces methionine, which is neutral and non-polar, with threonine, which is neutral and polar, at codon 406 of the SKIV2L protein (p.Met406Thr).

NM_006929.5(SKIC2):c.1217T>C (p.Met406Thr)

Genes: SKIC2 (SKI2 subunit of superkiller complex; plus strand), LOC126859653 (CDK7 strongly-dependent group 2 enhancer GRCh37_chr6:31929542-31930741; plus strand). Cytogenetic location: 6p21.33.
Variant type: single nucleotide variant.
Coding change: c.1217T>C on transcript NM_006929.5 (MANE Select); coding-DNA position 1217, T replaced by C.
Protein change: p.Met406Thr; replaces methionine 406 with threonine.
Molecular consequence: missense variant.
Genome position (GRCh38, 1-based): chr6:31,962,719, T>C. VCF-style: chr6-31962719-T-C. GRCh37 (hg19) VCF-style: chr6-31930496-T-C.
Other names: short protein forms M406T.
Identifiers: ClinVar variation 1971289 (VCV001971289.5), dbSNP rs2482925171, ClinGen allele CA363453929.